The following is an entry in ClinVar:

NM_006231.4(POLE):c.475A>G (p.Thr159Ala)

Gene: POLE (DNA polymerase epsilon, catalytic subunit; minus strand). Cytogenetic location: 12q24.33.
Variant type: single nucleotide variant.
Coding change: c.475A>G on transcript NM_006231.4 (MANE Select); coding-DNA position 475, A replaced by G.
Protein change: p.Thr159Ala; replaces threonine 159 with alanine.
Molecular consequence: missense variant.
Genome position (GRCh38, 1-based): chr12:132,679,600, T>C on the plus strand (A>G on the coding strand, the complement: POLE is on the minus strand). VCF-style: chr12-132679600-T-C. GRCh37 (hg19) VCF-style: chr12-133256186-T-C.
Other names: short protein forms T159A.
Identifiers: ClinVar variation 1000934 (VCV001000934.11), dbSNP rs774952016, ClinGen allele CA6894305.
Genomic context (GRCh38, chr12:132,679,600, plus strand): 5'-CCCTGTTCTTCTTCACGGCAGGGGAGATCTCCTTCCTCACTTTGACAAGATCCTCCACAG[T>C]GTGGAAGGACAGCCTGATGTAATTTCGCTTCAAACCCACCAAGTGATTTGGCTATAATGC-3'
Protein context (NP_006222.2, residues 149-169): KRNYIRLSFH[Thr159Ala]VEDLVKVRKE

ClinVar aggregate classification (germline): Uncertain significance. Review status: criteria provided, multiple submitters, no conflicts (2 of 4 stars). 3 submissions from 3 submitters: Uncertain significance (3). Last evaluated 2024-11-05.

Conditions:
Hereditary cancer-predisposing syndrome. Also called: Neoplastic Syndromes, Hereditary; Tumor predisposition; Hereditary Cancer Syndrome; Hereditary neoplastic syndrome. Identifiers: Orphanet 140162, MedGen C0027672, MeSH D009386, MONDO:0015356.

Allele frequency attached by ClinVar (database versions not stated): gnomAD exomes below 0.00001 and 0.00001; ExAC 0.00001; gnomAD 0.00001; TOPMed 0.00001.
gnomAD v4.1: 5 of 1,613,726 alleles (0.00031%); highest among the groups gnomAD compares: Middle Eastern, 0.016%; no homozygotes.

Submissions (3):

Labcorp Genetics (formerly Invitae), Labcorp
Classification: Uncertain significance. Last evaluated: 2024-11-05. Review status: criteria provided, single submitter. Criteria: Invitae Variant Classification Sherloc (09022015). Collection method: clinical testing. Allele origin: germline.
Comment: This sequence change replaces threonine, which is neutral and polar, with alanine, which is neutral and non-polar, at codon 159 of the POLE protein (p.Thr159Ala). This variant is present in population databases (rs774952016, gnomAD 0.006%). This variant has not been reported in the literature in individuals affected with POLE-related conditions. ClinVar contains an entry for this variant (Variation ID: 1000934). Invitae Evidence Modeling of protein sequence and biophysical properties (such as structural, functional, and spatial information, amino acid conservation, physicochemical variation, residue mobility, and thermodynamic stability) indicates that this missense variant is not expected to disrupt POLE protein function with a negative predictive value of 80%. In summary, the available evidence is currently insufficient to determine the role of this variant in disease. Therefore, it has been classified as a Variant of Uncertain Significance.

Ambry Genetics
Classification: Uncertain significance for Hereditary cancer-predisposing syndrome. Last evaluated: 2024-02-09. Review status: criteria provided, single submitter. Criteria: Ambry Variant Classification Scheme 2023. Collection method: clinical testing. Allele origin: germline.
Comment: The p.T159A variant (also known as c.475A>G), located in coding exon 6 of the POLE gene, results from an A to G substitution at nucleotide position 475. The threonine at codon 159 is replaced by alanine, an amino acid with similar properties. This amino acid position is conserved. In addition, this alteration is predicted to be tolerated by in silico analysis. Since supporting evidence is limited at this time, the clinical significance of this alteration remains unclear.

GeneDx
Classification: Uncertain significance. Last evaluated: 2023-09-28. Review status: criteria provided, single submitter. Criteria: GeneDx Variant Classification Process June 2021. Collection method: clinical testing. Allele origin: germline. Affected: yes.
Comment: Not observed at significant frequency in large population cohorts (gnomAD); In silico analysis supports that this missense variant does not alter protein structure/function; Has not been previously published as pathogenic or benign to our knowledge